The following is an entry in ClinVar:

NM_003366.4(UQCRC2):c.562A>G (p.Asn188Asp)

Genes: PDZD9 (PDZ domain containing 9), UQCRC2 (ubiquinol-cytochrome c reductase core protein 2). Cytogenetic location: 16p12.2.
Variant type: single nucleotide variant.
Coding change: c.562A>G on transcript NM_003366.4 (MANE Select); coding-DNA position 562, A replaced by G.
Protein change: p.Asn188Asp; replaces asparagine 188 with aspartic acid.
Molecular consequence: missense variant.
Genome position (GRCh38, 1-based): chr16:21,965,455, A>G. VCF-style: chr16-21965455-A-G. GRCh37 (hg19) VCF-style: chr16-21976776-A-G.
Other names: short protein forms N188D.
Identifiers: ClinVar variation 3716068 (VCV003716068.2).

ClinVar aggregate classification (germline): Uncertain significance (1 of 4 stars; one submission).

gnomAD v4.1: 8 of 1,613,860 alleles (0.0005%); highest among the groups gnomAD compares: Non-Finnish European, 0.00059%; no homozygotes.

Submission:

Labcorp Genetics (formerly Invitae), Labcorp
Classification: Uncertain significance. Last evaluated: 2025-01-29. Review status: criteria provided, single submitter. Criteria: Invitae Variant Classification Sherloc (09022015). Collection method: clinical testing. Allele origin: germline.
Comment: This sequence change replaces asparagine, which is neutral and polar, with aspartic acid, which is acidic and polar, at codon 188 of the UQCRC2 protein (p.Asn188Asp). This variant is present in population databases (no rsID available, gnomAD 0.004%). This variant has not been reported in the literature in individuals affected with UQCRC2-related conditions. Invitae Evidence Modeling of protein sequence and biophysical properties (such as structural, functional, and spatial information, amino acid conservation, physicochemical variation, residue mobility, and thermodynamic stability) indicates that this missense variant is expected to disrupt UQCRC2 protein function with a positive predictive value of 80%. In summary, the available evidence is currently insufficient to determine the role of this variant in disease. Therefore, it has been classified as a Variant of Uncertain Significance.